The following is an entry in ClinVar:

ClinVar aggregate classification (germline): Uncertain significance (1 of 4 stars; one submission).

Submission:

Labcorp Genetics (formerly Invitae), Labcorp
Classification: Uncertain significance. Last evaluated: 2022-04-15. Review status: criteria provided, single submitter. Criteria: Invitae Variant Classification Sherloc (09022015). Collection method: clinical testing. Allele origin: germline.
Comment: This variant is not present in population databases (gnomAD no frequency). This variant has not been reported in the literature in individuals affected with TELO2-related conditions. Algorithms developed to predict the effect of missense changes on protein structure and function output the following: SIFT: "Tolerated"; PolyPhen-2: "Benign"; Align-GVGD: "Class C0". The leucine amino acid residue is found in multiple mammalian species, which suggests that this missense change does not adversely affect protein function. In summary, the available evidence is currently insufficient to determine the role of this variant in disease. Therefore, it has been classified as a Variant of Uncertain Significance. This sequence change replaces phenylalanine, which is neutral and non-polar, with leucine, which is neutral and non-polar, at codon 305 of the TELO2 protein (p.Phe305Leu).

NM_016111.4(TELO2):c.913T>C (p.Phe305Leu)

Gene: TELO2 (telomere maintenance 2; plus strand). Cytogenetic location: 16p13.3.
Variant type: single nucleotide variant.
Coding change: c.913T>C on transcript NM_016111.4 (MANE Select); coding-DNA position 913, T replaced by C.
Protein change: p.Phe305Leu; replaces phenylalanine 305 with leucine.
Molecular consequence: missense variant.
Genome position (GRCh38, 1-based): chr16:1,499,313, T>C. VCF-style: chr16-1499313-T-C. GRCh37 (hg19) VCF-style: chr16-1549314-T-C.
Other names: c.913T>C, p.Phe305Leu (NM_001351846.2); short protein forms F305L.
Identifiers: ClinVar variation 1905804 (VCV001905804.5), dbSNP rs779259878, ClinGen allele CA394210136.
Genomic context (GRCh38, chr16:1,499,313, plus strand): 5'-CTGGGGAACCTGGTGGTGAAGAACAAGAAGGCCCAGTTTGTGATGACCCAGAAGCTTCTG[T>C]TCTTACAGTCCCGGCTCACGGTGAGGACGCCACGGAGGGTGCAGGCTGCTGGCTGCCCCA-3'
Protein context (NP_057195.2, residues 295-315): AQFVMTQKLL[Phe305Leu]LQSRLTTPML